The following is an entry in ClinVar:

NM_032638.5(GATA2):c.307G>A (p.Ala103Thr)

Gene: GATA2 (GATA binding protein 2; minus strand). Cytogenetic location: 3q21.3.
Variant type: single nucleotide variant.
Coding change: c.307G>A on transcript NM_032638.5 (MANE Select); coding-DNA position 307, G replaced by A.
Protein change: p.Ala103Thr; replaces alanine 103 with threonine.
Molecular consequence: missense variant.
Genome position (GRCh38, 1-based): chr3:128,486,291, C>T on the plus strand (G>A on the coding strand, the complement: GATA2 is on the minus strand). VCF-style: chr3-128486291-C-T. GRCh37 (hg19) VCF-style: chr3-128205134-C-T.
Other names: c.307G>A (NM_032638.4); c.307G>A, p.Ala103Thr (NM_001145661.2, NM_001145662.1); short protein forms A103T.
Identifiers: ClinVar variation 1403212 (VCV001403212.9), dbSNP rs1186170515, ClinGen allele CA354407436.

ClinVar aggregate classification (germline): Uncertain significance. Review status: criteria provided, multiple submitters, no conflicts (2 of 4 stars). 2 submissions from 2 submitters: Uncertain significance (2). Last evaluated 2025-10-11.

Conditions:
Monocytopenia with susceptibility to infections. Also called: MONOCYTOPENIA AND MYCOBACTERIAL INFECTION SYNDROME; MONOCYTOPENIA WITH SUSCEPTIBILITY TO MYCOBACTERIAL, FUNGAL, AND PAPILLOMAVIRUS INFECTIONS AND MYELODYSPLASIA; COMBINED IMMUNODEFICIENCY WITH SUSCEPTIBILITY TO MYCOBACTERIAL, VIRAL, AND FUNGAL INFECTIONS; Dendritic cell, monocyte, B lymphocyte, and natural killer lymphocyte deficiency; GATA2 DEFICIENCY; IMMUNODEFICIENCY 21. Identifiers: Orphanet 228423, MedGen C3280030, MONDO:0013607, OMIM 614172.
Deafness-lymphedema-leukemia syndrome. Also called: Lymphedema, primary, with myelodysplasia; Emberger syndrome. Identifiers: Orphanet 3226, MedGen C3279664, MONDO:0013540, OMIM 614038.
Inborn genetic diseases. Identifiers: MedGen C0950123, MeSH D030342.

Submissions (2):

Ambry Genetics
Classification: Uncertain significance for Inborn genetic diseases. Last evaluated: 2025-10-11. Review status: criteria provided, single submitter. Criteria: Ambry Variant Classification Scheme 2023. Collection method: clinical testing. Allele origin: germline.
Comment: The p.A103T variant (also known as c.307G>A), located in coding exon 2 of the GATA2 gene, results from a G to A substitution at nucleotide position 307. The alanine at codon 103 is replaced by threonine, an amino acid with similar properties. This amino acid position is conserved. In addition, the in silico prediction for this alteration is inconclusive. Based on the available evidence, the clinical significance of this variant remains unclear.

Labcorp Genetics (formerly Invitae), Labcorp
Classification: Uncertain significance for Monocytopenia with susceptibility to infections; Deafness-lymphedema-leukemia syndrome. Last evaluated: 2025-04-23. Review status: criteria provided, single submitter. Criteria: Invitae Variant Classification Sherloc (09022015). Collection method: clinical testing. Allele origin: germline.
Comment: This sequence change replaces alanine, which is neutral and non-polar, with threonine, which is neutral and polar, at codon 103 of the GATA2 protein (p.Ala103Thr). This variant is not present in population databases (gnomAD no frequency). This variant has not been reported in the literature in individuals affected with GATA2-related conditions. ClinVar contains an entry for this variant (Variation ID: 1403212). Invitae Evidence Modeling of protein sequence and biophysical properties (such as structural, functional, and spatial information, amino acid conservation, physicochemical variation, residue mobility, and thermodynamic stability) indicates that this missense variant is not expected to disrupt GATA2 protein function with a negative predictive value of 95%. In summary, the available evidence is currently insufficient to determine the role of this variant in disease. Therefore, it has been classified as a Variant of Uncertain Significance.